The following is an entry in ClinVar:

ClinVar aggregate classification (germline): Pathogenic. Review status: criteria provided, multiple submitters, no conflicts (2 of 4 stars). 5 submissions from 5 submitters: Pathogenic (5). Last evaluated 2024-04-27.

Conditions:
Hereditary cancer-predisposing syndrome. Also called: Neoplastic Syndromes, Hereditary; Hereditary Cancer Syndrome; Tumor predisposition; Hereditary neoplastic syndrome. Identifiers: Orphanet 140162, MedGen C0027672, MeSH D009386, MONDO:0015356.
Ataxia-telangiectasia syndrome (AT). Also called: LOUIS-BAR SYNDROME; Cerebello-oculocutaneous telangiectasia; Immunodeficiency with ataxia telangiectasia; Ataxia-telangiectasia, complementation group D; AT, COMPLEMENTATION GROUP C; Ataxia-telangiectasia, complementation group E. Identifiers: Orphanet 100, MedGen C0004135, MONDO:0008840, OMIM 208900.
Familial cancer of breast. Also called: Hereditary breast cancer; BREAST CANCER, FAMILIAL; hereditary breast carcinoma. Identifiers: Orphanet 227535, MedGen C0346153, MONDO:0016419, OMIM 114480. Disease mechanism: loss of function.

Submissions (5):

Molecular Pathology, Peter Maccallum Cancer Centre
Classification: Pathogenic for Ataxia-telangiectasia syndrome. Last evaluated: 2024-04-27. Review status: criteria provided, single submitter. Criteria: ACMG Guidelines, 2015. Collection method: clinical testing. Allele origin: germline. Inheritance: Autosomal recessive inheritance.

Labcorp Genetics (formerly Invitae), Labcorp
Classification: Pathogenic for Ataxia-telangiectasia syndrome. Last evaluated: 2024-03-02. Review status: criteria provided, single submitter. Criteria: Invitae Variant Classification Sherloc (09022015). Collection method: clinical testing. Allele origin: germline.
Comment: This sequence change creates a premature translational stop signal (p.Gln2061*) in the ATM gene. It is expected to result in an absent or disrupted protein product. Loss-of-function variants in ATM are known to be pathogenic (PMID: 23807571, 25614872). This variant is not present in population databases (gnomAD no frequency). This variant has not been reported in the literature in individuals affected with ATM-related conditions. ClinVar contains an entry for this variant (Variation ID: 490641). Algorithms developed to predict the effect of sequence changes on RNA splicing suggest that this variant may disrupt the consensus splice site. For these reasons, this variant has been classified as Pathogenic.

Myriad Genetics, Inc.
Classification: Pathogenic for Familial cancer of breast. Last evaluated: 2024-01-29. Review status: criteria provided, single submitter. Criteria: Myriad Autosomal Dominant, Autosomal Recessive and X-Linked Classification Criteria (2023). Collection method: clinical testing. Allele origin: unknown.
Comment: This variant is considered pathogenic. This variant creates a termination codon and is predicted to result in premature protein truncation.

Color Diagnostics, LLC DBA Color Health
Classification: Pathogenic for Hereditary cancer-predisposing syndrome. Last evaluated: 2020-02-26. Review status: criteria provided, single submitter. Criteria: ACMG Guidelines, 2015. Collection method: clinical testing. Allele origin: germline.
Comment: This variant changes 1 nucleotide in exon 42 of the ATM gene, creating a premature translation stop signal. This variant is expected to result in an absent or non-functional protein product. To our knowledge, this variant has not been reported in individuals affected with hereditary cancer in the literature. This variant has not been identified in the general population by the Genome Aggregation Database (gnomAD). Loss of ATM function is a known mechanism of disease. Based on the available evidence, this variant is classified as Pathogenic.

Ambry Genetics
Classification: Pathogenic for Hereditary cancer-predisposing syndrome. Last evaluated: 2018-05-21. Review status: criteria provided, single submitter. Criteria: Ambry Variant Classification Scheme 2023. Collection method: clinical testing. Allele origin: germline.
Comment: The p.Q2061* pathogenic mutation (also known as c.6181C>T), located in coding exon 41 of the ATM gene, results from a C to T substitution at nucleotide position 6181. This changes the amino acid from a glutamine to a stop codon within coding exon 41. This alteration is expected to result in loss of function by premature protein truncation or nonsense-mediated mRNA decay. As such, this alteration is interpreted as a disease-causing mutation.

Literature cited by the submitters: PubMed 23807571 (cited by Labcorp Genetics (formerly Invitae), Labcorp); PubMed 25614872 (cited by Labcorp Genetics (formerly Invitae), Labcorp).

NM_000051.4(ATM):c.6181C>T (p.Gln2061Ter)

Genes: ATM (ATM serine/threonine kinase; plus strand), C11orf65 (chromosome 11 open reading frame 65; minus strand). Cytogenetic location: 11q22.3.
Variant type: single nucleotide variant.
Coding change: c.6181C>T on transcript NM_000051.4 (MANE Select); coding-DNA position 6181, C replaced by T.
Protein change: p.Gln2061Ter; replaces glutamine 2061 with a stop codon.
Molecular consequence: nonsense. On other transcripts: intron variant (2).
Genome position (GRCh38, 1-based): chr11:108,316,096, C>T. VCF-style: chr11-108316096-C-T. GRCh37 (hg19) VCF-style: chr11-108186823-C-T.
Other names: c.6181C>T, p.Gln2061Ter (NM_001351834.2); c.641-7025G>A (NM_001330368.2); c.*39-7025G>A (NM_001351110.2); short protein forms Q2061*.
Identifiers: ClinVar variation 490641 (VCV000490641.16), dbSNP rs1555113845, ClinGen allele CA382550728.